The following is an entry in ClinVar:

ClinVar aggregate classification (germline): Conflicting classifications of pathogenicity. Review status: criteria provided, conflicting classifications (1 of 4 stars). 9 submissions from 9 submitters: Uncertain significance (7); Likely benign (1). 1 of the submissions does not count toward it. Last evaluated 2025-10-28.

Conditions:
Pheochromocytoma. Also called: MAX-Related Hereditary Paraganglioma-Pheochromocytoma Syndrome. Identifiers: Orphanet 29072, MedGen C0031511, MONDO:0008233, OMIM 171300, HP:0002666.
Hirschsprung disease, susceptibility to, 1 (HSCR1). Also called: RET-Related Hirschsprung Disease. Identifiers: Orphanet 388, MedGen C3888239, MONDO:0007723, OMIM 142623.
Familial medullary thyroid carcinoma (MTC). Also called: Thyroid cancer, familial medullary; MTC, familial; Familial Medullary Thyroid Carcinoma (FMTC). Identifiers: Orphanet 653, Orphanet 99361, MedGen C1833921, MONDO:0007958, OMIM 155240.
Multiple endocrine neoplasia type 2B. Also called: MEN IIB; NEUROMATA, MUCOSAL, WITH ENDOCRINE TUMORS; WAGENMANN-FROBOESE SYNDROME; MULTIPLE ENDOCRINE NEOPLASIA, TYPE III; MULTIPLE ENDOCRINE NEOPLASIA, TYPE IIB; MEN 2B. Identifiers: Orphanet 247709, Orphanet 653, MedGen C0025269, MeSH D018814, MONDO:0008082, OMIM 162300.
Multiple endocrine neoplasia type 2A. Also called: Multiple Endocrine Neoplasia Type 2A (MEN2A); MULTIPLE ENDOCRINE NEOPLASIA, TYPE IIA; PTC SYNDROME; SIPPLE SYNDROME; MEN 2A; MEN-2A syndrome. Identifiers: Orphanet 247698, Orphanet 653, MedGen C0025268, MeSH D018813, MONDO:0008234, OMIM 171400.
Hereditary cancer-predisposing syndrome. Also called: Tumor predisposition; Hereditary neoplastic syndrome; Hereditary Cancer Syndrome; Neoplastic Syndromes, Hereditary. Identifiers: Orphanet 140162, MedGen C0027672, MeSH D009386, MONDO:0015356.
Aganglionic megacolon (HSCR). Also called: Hirschsprung's disease; Hirschsprung disease. Identifiers: Orphanet 388, MedGen C0019569, MeSH D006627, MONDO:0018309, HP:0002251.
Multiple endocrine neoplasia, type 2 (MEN2). Identifiers: Orphanet 653, MedGen C4048306, MONDO:0019003. Disease mechanism: gain of function.

Allele frequency attached by ClinVar (database versions not stated): ExAC 0.00002; gnomAD exomes 0.00001; gnomAD 0.00002; ESP Exome Variant Server 0.00008; TOPMed 0.00001.
gnomAD v4.1: 15 of 1,613,898 alleles (0.00093%); highest among the groups gnomAD compares: East Asian, 0.0067%; no homozygotes.

Submissions (9):

Labcorp Genetics (formerly Invitae), Labcorp
Classification: Uncertain significance for Multiple endocrine neoplasia, type 2. Last evaluated: 2025-10-28. Review status: criteria provided, single submitter. Criteria: Invitae Variant Classification Sherloc (09022015). Collection method: clinical testing. Allele origin: germline.
Comment: This sequence change replaces arginine, which is basic and polar, with glutamine, which is neutral and polar, at codon 475 of the RET protein (p.Arg475Gln). This variant is present in population databases (rs138624658, gnomAD 0.007%). This missense change has been observed in individual(s) with Hirschsprung disease (PMID: 20473317). ClinVar contains an entry for this variant (Variation ID: 135188). An algorithm developed to predict the effect of missense changes on protein structure and function outputs the following: PolyPhen-2: "Benign". The glutamine amino acid residue is found in multiple mammalian species, which suggests that this missense change does not adversely affect protein function. In summary, the available evidence is currently insufficient to determine the role of this variant in disease. Therefore, it has been classified as a Variant of Uncertain Significance.

Color Diagnostics, LLC DBA Color Health
Classification: Likely benign for Multiple endocrine neoplasia, type 2. Last evaluated: 2025-07-05. Review status: criteria provided, single submitter. Criteria: ACMG Guidelines, 2015. Collection method: clinical testing. Allele origin: germline.

Ambry Genetics
Classification: Uncertain significance for Hereditary cancer-predisposing syndrome. Last evaluated: 2024-04-18. Review status: criteria provided, single submitter. Criteria: Ambry Variant Classification Scheme 2023. Collection method: clinical testing. Allele origin: germline.
Comment: The p.R475Q variant (also known as c.1424G>A), located in coding exon 7 of the RET gene, results from a G to A substitution at nucleotide position 1424. The arginine at codon 475 is replaced by glutamine, an amino acid with highly similar properties. This variant has been reported in a patient with sporadic Hirschsprung disease (Atti&eacute; T et al. Hum. Mol. Genet. 1995 Aug;4:1381-6). This amino acid position is poorly conserved in available vertebrate species. In addition, the in silico prediction for this alteration is inconclusive. Since supporting evidence is limited at this time, the clinical significance of this alteration remains unclear.

Fulgent Genetics
Classification: Uncertain significance for Hirschsprung disease, susceptibility to, 1; Familial medullary thyroid carcinoma; Multiple endocrine neoplasia type 2B; Pheochromocytoma; Multiple endocrine neoplasia type 2A. Last evaluated: 2024-02-20. Review status: criteria provided, single submitter. Criteria: ACMG Guidelines, 2015. Collection method: clinical testing. Allele origin: germline.

Baylor Genetics
Classification: Uncertain significance for Hirschsprung disease, susceptibility to, 1. Last evaluated: 2024-02-06. Review status: criteria provided, single submitter. Criteria: ACMG Guidelines, 2015. Collection method: clinical testing. Allele origin: unknown.

All of Us Research Program, National Institutes of Health
Classification: Uncertain significance for Multiple endocrine neoplasia, type 2. Last evaluated: 2023-09-05. Review status: criteria provided, single submitter. Criteria: ACMG Guidelines, 2015. Collection method: clinical testing. Allele origin: germline. Inheritance: Autosomal dominant inheritance. Observed: 3 variant alleles, 3 heterozygotes.
Comment: This missense variant replaces arginine with glutamine at codon 475 of the RET protein. Computational prediction suggests that this variant may not impact protein structure and function (internally defined REVEL score threshold <= 0.5, PMID: 27666373). To our knowledge, functional studies have not been reported for this variant. This variant has been observed in an individual with sporadic Hirschsprung disease (PMID: 20473317) and has also been identified in a healthy subject (PMID: 24728327) This variant has been identified in 3/251358 chromosomes in the general population by the Genome Aggregation Database (gnomAD). The available evidence is insufficient to determine the role of this variant in disease conclusively. Therefore, this variant is classified as a Variant of Uncertain Significance.

This study involves interpretation of variants in research participants for the purpose of population health screening. Participant phenotype was not available at the time of variant classification. Additional details can be found in publication PMID: 35346344, PMCID: PMC8962531

GeneDx
Classification: Uncertain significance. Last evaluated: 2023-06-05. Review status: criteria provided, single submitter. Criteria: GeneDx Variant Classification Process June 2021. Collection method: clinical testing. Allele origin: germline. Affected: yes.
Comment: Not observed at significant frequency in large population cohorts (gnomAD); In silico analysis supports that this missense variant does not alter protein structure/function; Observed in individual(s) with Hirschsprung disease (Attie et al., 1995); This variant is associated with the following publications: (PMID: 24728327, 25637381, 8852653, 14633923, 7581377, 20473317, 30122538)

CSER _CC_NCGL, University of Washington
Classification: Uncertain significance for Hirschsprung disease. Last evaluated: 2014-06-01. Review status: criteria provided, single submitter. Criteria: Amendola et al. (Genome Res. 2015). Collection method: research. Allele origin: germline. Inheritance: Autosomal dominant inheritance. Study: ESP 6500 variant annotation.
Comment: Low GERP score may suggest that this variant may belong in a lower pathogenicity class

Variants classified for the Actionable exomic incidental findings in 6503 participants: challenges of variant classification manuscript

ITMI
No classification provided. Condition: AllHighlyPenetrant. Last evaluated: 2013-09-19. Review status: no classification provided. Collection method: reference population. Allele origin: germline. Not counted in ClinVar's aggregate classification.
Comment: Please see associated publication for description of ethnicities

Literature cited by the submitters: PubMed 20473317 (cited by Labcorp Genetics (formerly Invitae), Labcorp and All of Us Research Program, National Institutes of Health); PubMed 24728327 (cited by 3 submitters); PubMed 25637381 (cited by Ambry Genetics); PubMed 30122538 (cited by Ambry Genetics); PubMed 7581377 (cited by Ambry Genetics).

NM_020975.6(RET):c.1424G>A (p.Arg475Gln)

Gene: RET (ret proto-oncogene; plus strand). Cytogenetic location: 10q11.21.
Variant type: single nucleotide variant.
Coding change: c.1424G>A on transcript NM_020975.6 (MANE Select); coding-DNA position 1424, G replaced by A.
Protein change: p.Arg475Gln; replaces arginine 475 with glutamine.
Molecular consequence: missense variant.
Genome position (GRCh38, 1-based): chr10:43,111,367, G>A. VCF-style: chr10-43111367-G-A. GRCh37 (hg19) VCF-style: chr10-43606815-G-A.
Other names: c.1424G>A, p.Arg475Gln (NM_000323.2, NM_001406743.1, NM_001406744.1 and 6 more transcripts); c.662G>A, p.Arg221Gln (NM_001355216.2); c.1295G>A, p.Arg432Gln (NM_001406761.1, NM_001406762.1, NM_001406764.1 and 1 more transcripts); c.1136G>A, p.Arg379Gln (NM_001406766.1, NM_001406767.1, NM_001406770.1); c.698G>A, p.Arg233Gln (NM_001406778.1, NM_001406775.1, NM_001406776.1 and 1 more transcripts); c.434G>A, p.Arg145Gln (NM_001406784.1); c.1028G>A, p.Arg343Gln (NM_001406769.1, NM_001406772.1); c.986G>A, p.Arg329Gln (NM_001406771.1, NM_001406773.1); and 1 more; short protein forms R475Q, R221Q, R145Q, R343Q, R432Q, R329Q, R233Q, R300Q.
Identifiers: ClinVar variation 135188 (VCV000135188.21), dbSNP rs138624658, ClinGen allele CA007571.
Genomic context (GRCh38, chr10:43,111,367, plus strand): 5'-TCACCTCAGCCGAGGACACCTCGGGGATCCTGTTTGTGAATGACACCAAGGCCCTGCGGC[G>A]GCCCAAGTGTGCCGAACTTCACTACATGGTGGTGGCCACCGACCAGCAGACCTCTAGGCA-3'
Protein context (NP_066124.1, residues 465-485): LFVNDTKALR[Arg475Gln]PKCAELHYMV